The following is an entry in ClinVar:

NM_016333.4(SRRM2):c.2502T>G (p.Ser834Arg)

Gene: SRRM2 (serine/arginine repetitive matrix 2; plus strand). Cytogenetic location: 16p13.3.
Variant type: single nucleotide variant.
Coding change: c.2502T>G on transcript NM_016333.4 (MANE Select); coding-DNA position 2502, T replaced by G.
Protein change: p.Ser834Arg; replaces serine 834 with arginine.
Molecular consequence: missense variant.
Genome position (GRCh38, 1-based): chr16:2,763,030, T>G. VCF-style: chr16-2763030-T-G. GRCh37 (hg19) VCF-style: chr16-2813031-T-G.
Other names: short protein forms S834R.
Identifiers: ClinVar variation 3376798 (VCV003376798.1).
Genomic context (GRCh38, chr16:2,763,030, plus strand): 5'-CAGTCGCTCCAGTTCTTCTCCGCCACCTAAACAGAAATCTAAGACACCATCAAGACAAAG[T>G]CATTCCAGTTCATCTCCTCATCCTAAAGTGAAATCTGGAACACCACCGAGGCAAGGGTCC-3'
Protein context (NP_057417.3, residues 824-844): KQKSKTPSRQ[Ser834Arg]HSSSSPHPKV

ClinVar aggregate classification (germline): Uncertain significance (1 of 4 stars; one submission).

Conditions:
Neurodevelopmental disorder. Identifiers: MedGen C1535926, MeSH D065886, MONDO:0700092.

gnomAD v4.1: 1 of 1,613,954 alleles (0.000062%); highest among the groups gnomAD compares: Non-Finnish European, 0.000085%; no homozygotes.

Submission:

Victorian Clinical Genetics Services, Murdoch Childrens Research Institute
Classification: Uncertain significance for Neurodevelopmental disorder. Last evaluated: 2023-07-17. Review status: criteria provided, single submitter. Criteria: ACMG Guidelines, 2015. Collection method: clinical testing. Allele origin: germline. Inheritance: Autosomal dominant inheritance. Affected: yes.
Comment: Based on the classification scheme VCGS_Germline_v1.3.4, this variant is classified as VUS-3C. Following criteria are met: 0102 - Loss of function is a known mechanism of disease in this gene and is associated with neurodevelopmental disorder (MONDO:0700092), SRRM2-related (PMID: 35567594). (I) 0107 - This gene is associated with autosomal dominant disease. (I) 0200 - Variant is predicted to result in a missense amino acid change from serine to arginine. (I) 0251 - This variant is heterozygous. (I) 0301 - Variant is absent from gnomAD (both v2 and v3). (SP) 0309 - An alternative amino acid change at the same position has been observed in gnomAD (v2) (6 heterozygotes, 0 homozygotes). (I) 0503 - Missense variant consistently predicted to be tolerated by multiple in silico tools or not conserved in placental mammals with a minor amino acid change. (SB) 0604 - Variant is not located in an established domain, motif, hotspot or informative constraint region. (I) 0705 - No comparable missense variants have previous evidence for pathogenicity. (I) 0807 - This variant has no previous evidence of pathogenicity. (I) 0905 - No published segregation evidence has been identified for this variant. (I) 1007 - No published functional evidence has been identified for this variant. (I) 1208 - Inheritance information for this variant is not currently available in this individual. (I) Legend: (SP) - Supporting pathogenic, (I) - Information, (SB) - Supporting benign

Literature cited by the submitters: PubMed 35567594.